The following is an entry in ClinVar:

NM_000843.4(GRM6):c.1397C>T (p.Ala466Val)

Genes: GRM6 (glutamate metabotropic receptor 6; minus strand), ZNF454 (zinc finger protein 454; plus strand). Cytogenetic location: 5q35.3.
Variant type: single nucleotide variant.
Coding change: c.1397C>T on transcript NM_000843.4 (MANE Select); coding-DNA position 1397, C replaced by T.
Protein change: p.Ala466Val; replaces alanine 466 with valine.
Molecular consequence: missense variant.
Genome position (GRCh38, 1-based): chr5:178,986,941, G>A on the plus strand (C>T on the coding strand, the complement: GRM6 is on the minus strand). VCF-style: chr5-178986941-G-A. GRCh37 (hg19) VCF-style: chr5-178413942-G-A.
Other names: c.1397C>T (NM_000843.3); short protein forms A466V.
Identifiers: ClinVar variation 2155842 (VCV002155842.5), dbSNP rs755386646, ClinGen allele CA3594064.

ClinVar aggregate classification (germline): Uncertain significance. Review status: criteria provided, multiple submitters, no conflicts (2 of 4 stars). 2 submissions from 2 submitters: Uncertain significance (2). Last evaluated 2023-03-13.

Conditions:
Inborn genetic diseases. Identifiers: MedGen C0950123, MeSH D030342.

Allele frequency attached by ClinVar (database versions not stated): ExAC 0.00003; gnomAD exomes 0.00003; gnomAD 0.00005; TOPMed 0.00006.
gnomAD v4.1: 52 of 1,613,760 alleles (0.0032%); highest among the groups gnomAD compares: Admixed American, 0.017%; no homozygotes.

Submissions (2):

Ambry Genetics
Classification: Uncertain significance for Inborn genetic diseases. Last evaluated: 2023-03-13. Review status: criteria provided, single submitter. Criteria: Ambry Variant Classification Scheme 2023. Collection method: clinical testing. Allele origin: germline.

Labcorp Genetics (formerly Invitae), Labcorp
Classification: Uncertain significance. Last evaluated: 2022-01-11. Review status: criteria provided, single submitter. Criteria: Invitae Variant Classification Sherloc (09022015). Collection method: clinical testing. Allele origin: germline.
Comment: This sequence change replaces alanine, which is neutral and non-polar, with valine, which is neutral and non-polar, at codon 466 of the GRM6 protein (p.Ala466Val). The frequency data for this variant in the population databases is considered unreliable, as metrics indicate poor data quality at this position in the gnomAD database. This variant has not been reported in the literature in individuals affected with GRM6-related conditions. Advanced modeling of protein sequence and biophysical properties (such as structural, functional, and spatial information, amino acid conservation, physicochemical variation, residue mobility, and thermodynamic stability) performed at Invitae indicates that this missense variant is not expected to disrupt GRM6 protein function. In summary, the available evidence is currently insufficient to determine the role of this variant in disease. Therefore, it has been classified as a Variant of Uncertain Significance.